The following is an entry in ClinVar:

NM_001371596.2(MFSD8):c.965T>C (p.Val322Ala)

Gene: MFSD8 (major facilitator superfamily domain containing 8; minus strand). Cytogenetic location: 4q28.2.
Variant type: single nucleotide variant.
Coding change: c.965T>C on transcript NM_001371596.2 (MANE Select); coding-DNA position 965, T replaced by C.
Protein change: p.Val322Ala; replaces valine 322 with alanine.
Molecular consequence: missense variant.
Genome position (GRCh38, 1-based): chr4:127,930,716, A>G on the plus strand (T>C on the coding strand, the complement: MFSD8 is on the minus strand). VCF-style: chr4-127930716-A-G. GRCh37 (hg19) VCF-style: chr4-128851871-A-G.
Other names: c.764T>C, p.Val255Ala (NM_001363520.3); c.650T>C, p.Val217Ala (NM_001363521.3); c.830T>C, p.Val277Ala (NM_001371590.2); c.965T>C, p.Val322Ala (NM_001371591.2, NM_152778.4); c.971T>C, p.Val324Ala (NM_001371592.2); c.851T>C, p.Val284Ala (NM_001371593.2, NM_001410766.1); c.818T>C, p.Val273Ala (NM_001371594.2); c.683T>C, p.Val228Ala (NM_001371595.1); and 1 more; short protein forms V322A, V255A, V217A, V228A, V273A, V277A, V284A, V324A.
Identifiers: ClinVar variation 588500 (VCV000588500.7), dbSNP rs772644224, ClinGen allele CA3077329.

ClinVar aggregate classification (germline): Uncertain significance (1 of 4 stars; one submission).

Conditions:
Inborn genetic diseases. Identifiers: MedGen C0950123, MeSH D030342.

Allele frequency attached by ClinVar (database versions not stated): gnomAD exomes 0.00001 and 0.00005; TOPMed 0.00001; ExAC 0.00002.

Submission:

Ambry Genetics
Classification: Uncertain significance for Inborn genetic diseases. Last evaluated: 2016-11-28. Review status: criteria provided, single submitter. Criteria: Ambry Variant Classification Scheme 2023. Collection method: clinical testing. Allele origin: germline.
Comment: The p.V322A variant (also known as c.965T>C), located in coding exon 9 of the MFSD8 gene, results from a T to C substitution at nucleotide position 965. The valine at codon 322 is replaced by alanine, an amino acid with similar properties. This amino acid position is not well conserved in available vertebrate species. In addition, this alteration is predicted to be tolerated by in silico analysis. Since supporting evidence is limited at this time, the clinical significance of this alteration remains unclear.